The following is an entry in ClinVar:

NM_001122764.3(PPOX):c.1296A>G (p.Ser432=)

Gene: PPOX (protoporphyrinogen oxidase; plus strand). Cytogenetic location: 1q23.3.
Variant type: single nucleotide variant.
Coding change: c.1296A>G on transcript NM_001122764.3 (MANE Select); coding-DNA position 1296, A replaced by G.
Protein change: p.Ser432=; no amino-acid change (serine 432 retained).
Molecular consequence: synonymous variant.
Genome position (GRCh38, 1-based): chr1:161,171,038, A>G. VCF-style: chr1-161171038-A-G. GRCh37 (hg19) VCF-style: chr1-161140828-A-G.
Other names: c.1296A>G, p.Ser432= (NM_000309.5, NM_001365398.1); c.1197A>G, p.Ser399= (NM_001350128.2); c.888A>G, p.Ser296= (NM_001350129.2, NM_001365400.1); c.810A>G, p.Ser270= (NM_001350130.2, NM_001350131.2, NM_001365401.1); c.1185A>G, p.Ser395= (NM_001365399.1).
Identifiers: ClinVar variation 1668855 (VCV001668855.10), dbSNP rs1661206662, ClinGen allele CA421403820.

ClinVar aggregate classification (germline): Conflicting classifications of pathogenicity. Review status: criteria provided, conflicting classifications (1 of 4 stars). 2 submissions from 2 submitters: Uncertain significance (1); Likely benign (1). Last evaluated 2021-07-08.

Conditions:
Variegate porphyria (VP). Also called: PORPHYRIA, SOUTH AFRICAN TYPE; PROTOPORPHYRINOGEN OXIDASE DEFICIENCY; PPOX DEFICIENCY. Identifiers: Orphanet 79473, MedGen C0162532, MONDO:0008297, OMIM 176200.

Allele frequency attached by ClinVar (database versions not stated): TOPMed 0.00001.

Submissions (2):

Labcorp Genetics (formerly Invitae), Labcorp
Classification: Likely benign. Last evaluated: 2021-07-08. Review status: criteria provided, single submitter. Criteria: Invitae Variant Classification Sherloc (09022015). Collection method: clinical testing. Allele origin: germline.

Laboratorio de Genetica e Diagnostico Molecular, Hospital Israelita Albert Einstein
Classification: Uncertain significance for Variegate porphyria. Last evaluated: 2021-04-08. Review status: criteria provided, single submitter. Criteria: ACMG Guidelines, 2015. Collection method: clinical testing. Allele origin: germline. Affected: yes.
Comment: ACMG classification criteria: PM2, PP1